The following is an entry in ClinVar:

ClinVar aggregate classification (germline): Uncertain significance (1 of 4 stars; one submission).

Conditions:
Cardiovascular phenotype. Identifiers: MedGen CN230736.

Allele frequency attached by ClinVar (database versions not stated): gnomAD exomes below 0.00001; TOPMed below 0.00001.
gnomAD v4.1: 1 of 1,613,704 alleles (0.000062%); highest among the groups gnomAD compares: Non-Finnish European, 0.000085%; no homozygotes.

Submission:

Ambry Genetics
Classification: Uncertain significance for Cardiovascular phenotype. Last evaluated: 2023-12-12. Review status: criteria provided, single submitter. Criteria: Ambry Variant Classification Scheme 2023. Collection method: clinical testing. Allele origin: germline.
Comment: The c.431+5G>A intronic variant results from a G to A substitution 5 nucleotides after coding exon 4 in the CACNB2 gene. This nucleotide position is not well conserved in available vertebrate species. In silico splice site analysis for this alteration is inconclusive. The evidence for this gene-disease relationship is limited; therefore, the clinical significance of this alteration is unclear.

NM_201596.3(CACNB2):c.593+5G>A

Gene: CACNB2 (calcium voltage-gated channel auxiliary subunit beta 2; plus strand). Cytogenetic location: 10p12.31.
Variant type: single nucleotide variant.
Coding change: c.593+5G>A on transcript NM_201596.3 (MANE Select); 5 bases into the intron after coding-DNA position 593, G replaced by A.
Molecular consequence: intron variant.
Genome position (GRCh38, 1-based): chr10:18,500,953, G>A. VCF-style: chr10-18500953-G-A. GRCh37 (hg19) VCF-style: chr10-18789882-G-A.
Other names: c.509+5G>A (NM_201571.4, NM_001167945.2, NM_201572.4); c.593+5G>A (NM_201593.3, NM_201597.3); c.428+5G>A (NM_000724.4, NM_001330060.2); c.431+5G>A (NM_201590.3); c.449+5G>A (NM_201570.3, NM_001410882.1).
Identifiers: ClinVar variation 3230203 (VCV003230203.1), dbSNP rs1209597048, ClinGen allele CA662474019.
Genomic context (GRCh38, chr10:18,500,953, plus strand): 5'-GAAAACATGAGGCTGCAGCATGAACAGAGAGCCAAGCAAGGGAAATTCTACTCCAGGTAT[G>A]AGACAGATGTCAAGTGTTTGCATAAAACTTAGATTATACCACTATCTGTGTACTGTTGTC-3'